The following is an entry in ClinVar:

ClinVar aggregate classification (germline): Conflicting classifications of pathogenicity. Review status: criteria provided, conflicting classifications (1 of 4 stars). 18 submissions from 17 submitters: Uncertain significance (15); Likely benign (2). 1 of the submissions does not count toward it. Last evaluated 2026-02-02.

Conditions:
Familial ovarian cancer. Identifiers: MedGen C5679802, MONDO:0016248.
Breast-ovarian cancer, familial, susceptibility to, 3. Also called: RAD51C-Related Breast/Ovarian Cancer. Identifiers: Orphanet 145, MedGen C3150659, MONDO:0013253, OMIM 613399.
Fanconi anemia complementation group O. Also called: RAD51C-Related Fanconi Anemia. Identifiers: Orphanet 84, MedGen C3150653, MONDO:0013248, OMIM 613390.
Breast and/or ovarian cancer. Identifiers: MedGen CN221562.
Hereditary cancer-predisposing syndrome. Also called: Tumor predisposition; Hereditary neoplastic syndrome; Neoplastic Syndromes, Hereditary; Hereditary Cancer Syndrome. Identifiers: Orphanet 140162, MedGen C0027672, MeSH D009386, MONDO:0015356.

Allele frequency attached by ClinVar (database versions not stated): 1000 Genomes Project below 0.00001; gnomAD exomes 0.00001 and 0.00005; gnomAD 0.00003 and 0.00004.

Submissions (18):

Labcorp Genetics (formerly Invitae), Labcorp
Classification: Uncertain significance for Fanconi anemia complementation group O. Last evaluated: 2026-02-02. Review status: criteria provided, single submitter. Criteria: Invitae Variant Classification Sherloc (09022015). Collection method: clinical testing. Allele origin: germline.
Comment: This sequence change replaces valine, which is neutral and non-polar, with methionine, which is neutral and non-polar, at codon 241 of the RAD51C protein (p.Val241Met). This variant is present in population databases (rs184033132, gnomAD 0.003%). This missense change has been observed in individual(s) with breast cancer and/or sarcoma (PMID: 27498913, 34326862). ClinVar contains an entry for this variant (Variation ID: 136162). Invitae Evidence Modeling of protein sequence and biophysical properties (such as structural, functional, and spatial information, amino acid conservation, physicochemical variation, residue mobility, and thermodynamic stability) indicates that this missense variant is not expected to disrupt RAD51C protein function with a negative predictive value of 80%. Experimental studies have shown that this missense change does not substantially affect RAD51C function (PMID: 37253112). In summary, the available evidence is currently insufficient to determine the role of this variant in disease. Therefore, it has been classified as a Variant of Uncertain Significance.

Ambry Genetics
Classification: Likely benign for Hereditary cancer-predisposing syndrome. Last evaluated: 2025-10-23. Review status: criteria provided, single submitter. Criteria: Ambry Variant Classification Scheme 2023. Collection method: clinical testing. Allele origin: germline.

Quest Diagnostics Nichols Institute San Juan Capistrano
Classification: Uncertain significance. Last evaluated: 2025-04-11. Review status: criteria provided, single submitter. Criteria: Quest Diagnostics criteria. Collection method: clinical testing. Allele origin: unknown.
Comment: The RAD51C c.721G>A (p.Val241Met) variant has been reported in the published literature in an individual with acute myeloid leukemia (PMID: 26689913 (2015)) and breast cancer and melanoma (PMID: 34326862 (2021)). In a large scale breast cancer association study, this variant has been observed in breast cancer cases and reportedly unaffected individuals (PMID: 33471991 (2021), see also LOVD). An experimental study reported this variant has neutral effects on the DNA repair activity of RAD51C protein (PMID: 37253112 (2023)). The frequency of this variant in the general population (Genome Aggregation Database) is uninformative in the assessment of its pathogenicity. Analysis of this variant using bioinformatics tools for the prediction of the effect of amino acid changes on protein structure and function yielded conflicting predictions that this variant is benign or damaging. Based on the available information, we are unable to determine the clinical significance of this variant.

GeneDx
Classification: Uncertain significance. Last evaluated: 2025-03-21. Review status: criteria provided, single submitter. Criteria: GeneDx Variant Classification Process June 2021. Collection method: clinical testing. Allele origin: germline. Affected: yes.
Comment: Not observed at significant frequency in large population cohorts (gnomAD); In silico analysis indicates that this missense variant does not alter protein structure/function; Published functional studies suggest a neutral effect: demonstrates homology-directed repair activity comparable to wild type (PMID: 37253112); Observed in individuals with a personal history of breast cancer, acute myelogenous leukemia and/or other cancers as well as in unaffected controls (PMID: 26689913, 27498913, 33471991, 34326862); This variant is associated with the following publications: (PMID: 26689913, 27498913, 37253112, 14704354, 34326862, 33471991)

Myriad Genetics, Inc.
Classification: Likely benign for Breast-ovarian cancer, familial, susceptibility to, 3. Last evaluated: 2025-02-19. Review status: criteria provided, single submitter. Criteria: Myriad Autosomal Dominant, Autosomal Recessive and X-Linked Classification Criteria (2023). Collection method: clinical testing. Allele origin: unknown.
Comment: This variant is considered likely benign. This variant is strongly associated with less severe personal and family histories of cancer, typical for individuals without pathogenic variants in this gene [PMID: 25085752].

Color Diagnostics, LLC DBA Color Health
Classification: Uncertain significance for Hereditary cancer-predisposing syndrome. Last evaluated: 2025-01-07. Review status: criteria provided, single submitter. Criteria: ACMG Guidelines, 2015. Collection method: clinical testing. Allele origin: germline.
Comment: This missense variant replaces valine with methionine at codon 241 of the RAD51C protein. Computational prediction suggests that this variant may not impact protein structure and function. To our knowledge, functional studies have not been reported for this variant. This variant has been reported in an individual affected with acute myeloid leukemia as well as in one individual with sarcoma (PMID: 26689913, 27498913). In a large breast cancer case-control study, this variant was identified in 1/60465 cases and 3/53458 controls (PMID: 33471991). This variant has also been identified in 4/282792 chromosomes in the general population by the Genome Aggregation Database (gnomAD). The available evidence is insufficient to determine the role of this variant in disease conclusively. Therefore, this variant is classified as a Variant of Uncertain Significance.

Department of Pathology and Laboratory Medicine, Sinai Health System
Classification: Uncertain significance for Fanconi anemia complementation group O; Breast-ovarian cancer, familial, susceptibility to, 3. Last evaluated: 2024-07-16. Review status: criteria provided, single submitter. Criteria: ACMG Guidelines, 2015. Collection method: clinical testing. Allele origin: germline. Affected: no.

Blueprint Genetics
Classification: Uncertain significance. Last evaluated: 2024-03-08. Review status: criteria provided, single submitter. Criteria: ACMG Guidelines, 2015. Collection method: clinical testing. Allele origin: germline.

Molecular Pathology, Peter Maccallum Cancer Centre
Classification: Uncertain significance for Familial ovarian cancer. Last evaluated: 2024-03-01. Review status: criteria provided, single submitter. Criteria: ACMG Guidelines, 2015. Collection method: clinical testing. Allele origin: germline. Inheritance: Autosomal dominant inheritance.

Baylor Genetics
Classification: Uncertain significance for Breast-ovarian cancer, familial, susceptibility to, 3. Last evaluated: 2024-02-16. Review status: criteria provided, single submitter. Criteria: ACMG Guidelines, 2015. Collection method: clinical testing. Allele origin: unknown.

CHEO Genetics Diagnostic Laboratory, Children's Hospital of Eastern Ontario
Classification: Uncertain significance for Breast and/or ovarian cancer. Last evaluated: 2022-08-24. Review status: criteria provided, single submitter. Criteria: ACMG Guidelines, 2015. Collection method: clinical testing. Allele origin: germline.

Fulgent Genetics
Classification: Uncertain significance for Fanconi anemia complementation group O; Breast-ovarian cancer, familial, susceptibility to, 3. Last evaluated: 2022-05-19. Review status: criteria provided, single submitter. Criteria: ACMG Guidelines, 2015. Collection method: clinical testing. Allele origin: unknown.

ARUP Laboratories, Molecular Genetics and Genomics, ARUP Laboratories
Classification: Uncertain significance. Last evaluated: 2021-09-13. Review status: criteria provided, single submitter. Criteria: ARUP Molecular Germline Variant Investigation Process 2021. Collection method: clinical testing. Allele origin: germline.
Comment: The RAD51C c.721G>A; p.Val241Met variant (rs184033132) is reported in the literature in an individual affected with acute myeloid leukemia, although its clinical significance was no demonstrated (Lu 2015). This variant is found on only four chromosomes (4/282792 alleles) in the Genome Aggregation Database. The valine at codon 241 is moderately conserved, and computational analyses are uncertain whether this variant is neutral or deleterious (REVEL: 0.38). Given the lack of clinical and functional data, the significance of the p.Val241Met variant is uncertain at this time. References: Lu C et al. Patterns and functional implications of rare germline variants across 12 cancer types. Nat Commun. 2015 Dec 22;6:10086. PMID: 26689913.

Sema4
Classification: Uncertain significance for Hereditary cancer-predisposing syndrome. Last evaluated: 2021-07-12. Review status: criteria provided, single submitter. Criteria: Sema4 Curation Guidelines. Collection method: curation. Allele origin: germline.
Comment: The RAD51C c.721G>A (p.V241M) variant has been reported in heterozygosity in at least one individual with breast cancer as well as healthy controls (PMID: 33471991). It was observed in 4/129130 chromosomes of the Non-Finnish European subpopulation in the large and broad cohorts of the Genome Aggregation Database. The variant has been reported in ClinVar (Variation ID 136162). Functional studies have not been performed and in silico tool predictions of the variants effect on protein function are inconclusive. The evidence is insufficient to meet ACMG/AMP criteria for classifying the variant as benign or pathogenic. Thus, the clinical significance of this variant is currently uncertain.

Women's Health and Genetics/Laboratory Corporation of America, LabCorp
Classification: Uncertain significance. Last evaluated: 2021-02-12. Review status: criteria provided, single submitter. Criteria: LabCorp Variant Classification Summary - May 2015. Collection method: clinical testing. Allele origin: germline.
Comment: Variant summary: RAD51C c.721G>A (p.Val241Met) results in a conservative amino acid change in the encoded protein sequence. Four of five in-silico tools predict a benign effect of the variant on protein function. The variant allele was found at a frequency of 8e-06 in 251406 control chromosomes. The available data on variant occurrences in the general population are insufficient to allow any conclusion about variant significance. c.721G>A has been reported in the literature in an individual affected with AML (Lu_2015), but has not to our knowledge been reported in patients with Hereditary Breast And Ovarian Cancer Syndrome. This report does not provide unequivocal conclusions about association of the variant with Hereditary Breast And Ovarian Cancer Syndrome. To our knowledge, no experimental evidence demonstrating an impact on protein function has been reported. Seven clinical diagnostic laboratories have submitted clinical-significance assessments for this variant to ClinVar after 2014 without evidence for independent evaluation. All laboratories classified the variant as uncertain significance. Based on the evidence outlined above, the variant was classified as uncertain significance.

Illumina Laboratory Services, Illumina
Classification: Uncertain significance for Breast-ovarian cancer, familial, susceptibility to, 3. Last evaluated: 2018-01-13. Review status: criteria provided, single submitter. Criteria: ICSL Variant Classification Criteria 13 December 2019. Collection method: clinical testing. Allele origin: germline.

Illumina Laboratory Services, Illumina
Classification: Uncertain significance for Fanconi anemia complementation group O. Last evaluated: 2018-01-13. Review status: criteria provided, single submitter. Criteria: ICSL Variant Classification Criteria 13 December 2019. Collection method: clinical testing. Allele origin: germline.

True Health Diagnostics
Classification: Uncertain significance for Hereditary cancer-predisposing syndrome. Last evaluated: 2018-03-15. Review status: no assertion criteria provided. Collection method: clinical testing. Allele origin: germline. Not counted in ClinVar's aggregate classification.

Literature cited by the submitters: PubMed 27498913 (cited by Labcorp Genetics (formerly Invitae), Labcorp and Color Diagnostics, LLC DBA Color Health); PubMed 34326862 (cited by Labcorp Genetics (formerly Invitae), Labcorp and Quest Diagnostics Nichols Institute San Juan Capistrano); PubMed 37253112 (cited by 3 submitters); PubMed 33471991 (cited by 4 submitters); PubMed 26689913 (cited by 3 submitters); PubMed 25085752 (cited by Myriad Genetics, Inc.).

NM_058216.3(RAD51C):c.721G>A (p.Val241Met)

Gene: RAD51C (RAD51 paralog C; plus strand). Cytogenetic location: 17q22.
Variant type: single nucleotide variant.
Coding change: c.721G>A on transcript NM_058216.3 (MANE Select); coding-DNA position 721, G replaced by A.
Protein change: p.Val241Met; replaces valine 241 with methionine.
Molecular consequence: missense variant. On other transcripts: non-coding transcript variant (1).
Genome position (GRCh38, 1-based): chr17:58,709,874, G>A. VCF-style: chr17-58709874-G-A. GRCh37 (hg19) VCF-style: chr17-56787235-G-A.
Other names: p.V241M:GTG>ATG; short protein forms V241M.
Identifiers: ClinVar variation 136162 (VCV000136162.48), dbSNP rs184033132, ClinGen allele CA294419.